The following is an entry in ClinVar:

ClinVar aggregate classification (germline): Uncertain significance (1 of 4 stars; one submission).

Conditions:
Ullrich congenital muscular dystrophy 2 (UCMD2). Identifiers: Orphanet 75840, MedGen C4225314, MONDO:0014654, OMIM 616470.
Bethlem myopathy 2 (BTHLM2). Identifiers: Orphanet 536516, Orphanet 610, MedGen C4225313, MONDO:0034022, OMIM 616471.

gnomAD v4.1: 8 of 1,613,986 alleles (0.0005%); highest among the groups gnomAD compares: Non-Finnish European, 0.00068%; no homozygotes.

Submission:

Labcorp Genetics (formerly Invitae), Labcorp
Classification: Uncertain significance for Bethlem myopathy 2; Ullrich congenital muscular dystrophy 2. Last evaluated: 2025-05-27. Review status: criteria provided, single submitter. Criteria: Invitae Variant Classification Sherloc (09022015). Collection method: clinical testing. Allele origin: germline.
Comment: This sequence change replaces methionine, which is neutral and non-polar, with leucine, which is neutral and non-polar, at codon 2421 of the COL12A1 protein (p.Met2421Leu). This variant is present in population databases (no rsID available, gnomAD 0.0009%). This variant has not been reported in the literature in individuals affected with COL12A1-related conditions. Invitae Evidence Modeling of protein sequence and biophysical properties (such as structural, functional, and spatial information, amino acid conservation, physicochemical variation, residue mobility, and thermodynamic stability) has been performed for this missense variant. However, the output from this modeling did not meet the statistical confidence thresholds required to predict the impact of this variant on COL12A1 protein function. In summary, the available evidence is currently insufficient to determine the role of this variant in disease. Therefore, it has been classified as a Variant of Uncertain Significance.

NM_004370.6(COL12A1):c.7261A>T (p.Met2421Leu)

Genes: COL12A1 (collagen type XII alpha 1 chain; minus strand), LOC126859712 (MED14-independent group 3 enhancer GRCh37_chr6:75828643-75829842; plus strand). Cytogenetic location: 6q13.
Variant type: single nucleotide variant.
Coding change: c.7261A>T on transcript NM_004370.6 (MANE Select); coding-DNA position 7261, A replaced by T.
Protein change: p.Met2421Leu; replaces methionine 2421 with leucine.
Molecular consequence: missense variant.
Genome position (GRCh38, 1-based): chr6:75,119,136, T>A on the plus strand (A>T on the coding strand, the complement: COL12A1 is on the minus strand). VCF-style: chr6-75119136-T-A. GRCh37 (hg19) VCF-style: chr6-75828852-T-A.
Other names: c.3769A>T, p.Met1257Leu (NM_080645.3, NM_001424116.1); c.7261A>T, p.Met2421Leu (NM_001424113.1); c.7240A>T, p.Met2414Leu (NM_001424114.1); c.6988A>T, p.Met2330Leu (NM_001424115.1); short protein forms M2421L, M2330L, M2414L, M1257L.
Identifiers: ClinVar variation 4792744 (VCV004792744.1).